The following is an entry in ClinVar:

ClinVar aggregate classification (germline): Uncertain significance. Review status: criteria provided, multiple submitters, no conflicts (2 of 4 stars). 3 submissions from 3 submitters: Uncertain significance (3). Last evaluated 2025-04-29.

Conditions:
Dilated cardiomyopathy 1JJ (CMD1JJ). Identifiers: Orphanet 154, MedGen C3808935, MONDO:0014095, OMIM 615235.
Cardiovascular phenotype. Identifiers: MedGen CN230736.

Allele frequency attached by ClinVar (database versions not stated): ExAC 0.00002; gnomAD 0.00002; TOPMed 0.00003.
gnomAD v4.1: 52 of 1,612,824 alleles (0.0032%); highest among the groups gnomAD compares: Non-Finnish European, 0.0041%; no homozygotes.

Submissions (3):

Ambry Genetics
Classification: Uncertain significance for Cardiovascular phenotype. Last evaluated: 2025-04-29. Review status: criteria provided, single submitter. Criteria: Ambry Variant Classification Scheme 2023. Collection method: clinical testing. Allele origin: germline.

Fulgent Genetics
Classification: Uncertain significance for Dilated cardiomyopathy 1JJ. Last evaluated: 2021-10-22. Review status: criteria provided, single submitter. Criteria: ACMG Guidelines, 2015. Collection method: clinical testing. Allele origin: unknown.

Labcorp Genetics (formerly Invitae), Labcorp
Classification: Uncertain significance for Dilated cardiomyopathy 1JJ. Last evaluated: 2019-12-27. Review status: criteria provided, single submitter. Criteria: Invitae Variant Classification Sherloc (09022015). Collection method: clinical testing. Allele origin: germline.
Comment: This variant has not been reported in the literature in individuals with LAMA4-related conditions. Algorithms developed to predict the effect of missense changes on protein structure and function output the following: SIFT: "Deleterious"; PolyPhen-2: "Benign"; Align-GVGD: "Class C25". The isoleucine amino acid residue is found in multiple mammalian species, suggesting that this missense change does not adversely affect protein function. These predictions have not been confirmed by published functional studies and their clinical significance is uncertain. In summary, the available evidence is currently insufficient to determine the role of this variant in disease. Therefore, it has been classified as a Variant of Uncertain Significance. This variant is present in population databases (rs782627670, ExAC 0.005%). This sequence change replaces valine with isoleucine at codon 1388 of the LAMA4 protein (p.Val1388Ile). The valine residue is highly conserved and there is a small physicochemical difference between valine and isoleucine.

NM_001105206.3(LAMA4):c.4183G>A (p.Val1395Ile)

Gene: LAMA4 (laminin subunit alpha 4; minus strand). Cytogenetic location: 6q21.
Variant type: single nucleotide variant.
Coding change: c.4183G>A on transcript NM_001105206.3 (MANE Select); coding-DNA position 4183, G replaced by A.
Protein change: p.Val1395Ile; replaces valine 1395 with isoleucine.
Molecular consequence: missense variant.
Genome position (GRCh38, 1-based): chr6:112,129,026, C>T on the plus strand (G>A on the coding strand, the complement: LAMA4 is on the minus strand). VCF-style: chr6-112129026-C-T. GRCh37 (hg19) VCF-style: chr6-112450228-C-T.
Other names: c.4162G>A (NM_002290.3); c.4162G>A, p.Val1388Ile (NM_001105207.3, NM_002290.5); short protein forms V1388I, V1395I.
Identifiers: ClinVar variation 843260 (VCV000843260.12), dbSNP rs782627670, ClinGen allele CA3965038.